The following is an entry in ClinVar:

NM_145200.5(CABP4):c.598G>A (p.Glu200Lys)

Gene: CABP4 (calcium binding protein 4; plus strand). Cytogenetic location: 11q13.2.
Variant type: single nucleotide variant.
Coding change: c.598G>A on transcript NM_145200.5 (MANE Select); coding-DNA position 598, G replaced by A.
Protein change: p.Glu200Lys; replaces glutamic acid 200 with lysine.
Molecular consequence: missense variant. On other transcripts: non-coding transcript variant (1).
Genome position (GRCh38, 1-based): chr11:67,457,629, G>A. VCF-style: chr11-67457629-G-A. GRCh37 (hg19) VCF-style: chr11-67225100-G-A.
Other names: c.283G>A, p.Glu95Lys (NM_001300895.3, NM_001300896.3, NM_001379183.1); short protein forms E200K, E95K.
Identifiers: ClinVar variation 848930 (VCV000848930.7), dbSNP rs142530984, ClinGen allele CA6140286.

ClinVar aggregate classification (germline): Uncertain significance (1 of 4 stars; one submission).

Allele frequency attached by ClinVar (database versions not stated): gnomAD 0.00002; gnomAD exomes 0.00003 and 0.00009; TOPMed 0.00003; ESP Exome Variant Server 0.00008; ExAC 0.00009.

Submission:

Labcorp Genetics (formerly Invitae), Labcorp
Classification: Uncertain significance. Last evaluated: 2022-01-06. Review status: criteria provided, single submitter. Criteria: Invitae Variant Classification Sherloc (09022015). Collection method: clinical testing. Allele origin: germline.
Comment: This sequence change replaces glutamic acid, which is acidic and polar, with lysine, which is basic and polar, at codon 200 of the CABP4 protein (p.Glu200Lys). This variant is present in population databases (rs142530984, gnomAD 0.006%). This variant has not been reported in the literature in individuals affected with CABP4-related conditions. ClinVar contains an entry for this variant (Variation ID: 848930). Algorithms developed to predict the effect of missense changes on protein structure and function are either unavailable or do not agree on the potential impact of this missense change (SIFT: "Tolerated"; PolyPhen-2: "Probably Damaging"; Align-GVGD: "Class C0"). In summary, the available evidence is currently insufficient to determine the role of this variant in disease. Therefore, it has been classified as a Variant of Uncertain Significance.